The following is an entry in ClinVar:

ClinVar aggregate classification (germline): Uncertain significance (1 of 4 stars; one submission).

Submission:

Labcorp Genetics (formerly Invitae), Labcorp
Classification: Uncertain significance. Last evaluated: 2023-07-18. Review status: criteria provided, single submitter. Criteria: Invitae Variant Classification Sherloc (09022015). Collection method: clinical testing. Allele origin: unknown.
Comment: This variant results in a copy number gain of the genomic region encompassing exon(s) 1 of the SH3KBP1 gene. This region includes the initiator codon of the gene. This copy number gain extends beyond the assayed region for this gene and therefore may encompass additional genes. As the precise location of this event is unknown, it may be in tandem or it may be located elsewhere in the genome. In summary, the available evidence is currently insufficient to determine the role of this variant in disease. Therefore, it has been classified as a Variant of Uncertain Significance. Experimental studies and prediction algorithms are not available or were not evaluated, and the functional significance of this variant is currently unknown. This variant has not been reported in the literature in individuals affected with SH3KBP1-related conditions.

NC_000023.10:g.(?_19905405)_(19905428_?)dup

Gene: SH3KBP1 (SH3 domain containing kinase binding protein 1; minus strand). Cytogenetic location: Xp22.12.
Variant type: Duplication.
Identifiers: ClinVar variation 3246862 (VCV003246862.1).